The following is an entry in ClinVar:

ClinVar aggregate classification (germline): Uncertain significance (1 of 4 stars; one submission).

Conditions:
Facioscapulohumeral muscular dystrophy 2 (FSHD2). Also called: MUSCULAR DYSTROPHY, FACIOSCAPULOHUMERAL, TYPE 1B; FACIOSCAPULOHUMERAL MUSCULAR DYSTROPHY 2, DIGENIC; FSHD2, DIGENIC. Identifiers: Orphanet 269, MedGen C1834671, MONDO:0008031, OMIM 158901.

Submission:

Labcorp Genetics (formerly Invitae), Labcorp
Classification: Uncertain significance for Facioscapulohumeral muscular dystrophy 2. Last evaluated: 2022-07-25. Review status: criteria provided, single submitter. Criteria: Invitae Variant Classification Sherloc (09022015). Collection method: clinical testing. Allele origin: germline.
Comment: In summary, the available evidence is currently insufficient to determine the role of this variant in disease. Therefore, it has been classified as a Variant of Uncertain Significance. Algorithms developed to predict the effect of missense changes on protein structure and function are either unavailable or do not agree on the potential impact of this missense change (SIFT: "Deleterious"; PolyPhen-2: "Benign"; Align-GVGD: "Class C65"). ClinVar contains an entry for this variant (Variation ID: 950728). This variant has not been reported in the literature in individuals affected with SMCHD1-related conditions. This variant is not present in population databases (gnomAD no frequency). This sequence change replaces threonine, which is neutral and polar, with isoleucine, which is neutral and non-polar, at codon 1160 of the SMCHD1 protein (p.Thr1160Ile).

NM_015295.3(SMCHD1):c.3479C>T (p.Thr1160Ile)

Gene: SMCHD1 (structural maintenance of chromosomes flexible hinge domain containing 1; plus strand). Cytogenetic location: 18p11.32.
Variant type: single nucleotide variant.
Coding change: c.3479C>T on transcript NM_015295.3 (MANE Select); coding-DNA position 3479, C replaced by T.
Protein change: p.Thr1160Ile; replaces threonine 1160 with isoleucine.
Molecular consequence: missense variant.
Genome position (GRCh38, 1-based): chr18:2,739,485, C>T. VCF-style: chr18-2739485-C-T. GRCh37 (hg19) VCF-style: chr18-2739483-C-T.
Other names: short protein forms T1160I.
Identifiers: ClinVar variation 950728 (VCV000950728.9), dbSNP rs2075308543, ClinGen allele CA401687910.